The following is an entry in ClinVar:

NM_000503.6(EYA1):c.1295G>A (p.Arg432Lys)

Gene: EYA1 (EYA transcriptional coactivator and phosphatase 1; minus strand). Cytogenetic location: 8q13.3.
Variant type: single nucleotide variant.
Coding change: c.1295G>A on transcript NM_000503.6 (MANE Select); coding-DNA position 1295, G replaced by A.
Protein change: p.Arg432Lys; replaces arginine 432 with lysine.
Molecular consequence: missense variant.
Genome position (GRCh38, 1-based): chr8:71,216,757, C>T on the plus strand (G>A on the coding strand, the complement: EYA1 is on the minus strand). VCF-style: chr8-71216757-C-T. GRCh37 (hg19) VCF-style: chr8-72128992-C-T.
Other names: c.1277G>A, p.Arg426Lys (NM_001288574.2, NM_172059.5); c.929G>A, p.Arg310Lys (NM_001288575.2); c.1382G>A, p.Arg461Lys (NM_001370333.1); c.1295G>A, p.Arg432Lys (NM_001370334.1, NM_001370335.1, NM_172058.4); c.1274G>A, p.Arg425Lys (NM_001370336.1); c.1295G>A (NM_000503.4); short protein forms R432K, R425K, R461K, R426K, R310K.
Identifiers: ClinVar variation 163431 (VCV000163431.6), dbSNP rs727503046, ClinGen allele CA176074.

ClinVar aggregate classification (germline): Uncertain significance. Review status: criteria provided, multiple submitters, no conflicts (2 of 4 stars). 3 submissions from 3 submitters: Uncertain significance (3). Last evaluated 2025-08-21.

Conditions:
Inborn genetic diseases. Identifiers: MedGen C0950123, MeSH D030342.

Allele frequency attached by ClinVar (database versions not stated): gnomAD exomes below 0.00001 and 0.00001; ExAC 0.00001.
gnomAD v4.1: 11 of 1,614,150 alleles (0.00068%); highest among the groups gnomAD compares: Non-Finnish European, 0.00076%; no homozygotes.

Submissions (3):

Ambry Genetics
Classification: Uncertain significance for Inborn genetic diseases. Last evaluated: 2025-08-21. Review status: criteria provided, single submitter. Criteria: Ambry Variant Classification Scheme 2023. Collection method: clinical testing. Allele origin: germline.

Blueprint Genetics
Classification: Uncertain significance. Last evaluated: 2022-04-22. Review status: criteria provided, single submitter. Criteria: ACMG Guidelines, 2015. Collection method: clinical testing. Allele origin: germline.

Laboratory for Molecular Medicine, Mass General Brigham Personalized Medicine
Classification: Uncertain significance. Last evaluated: 2014-07-24. Review status: criteria provided, single submitter. Criteria: LMM Criteria. Collection method: clinical testing. Allele origin: germline. Observed: 1 variant allele.
Comment: The Arg432Lys variant in EYA1 has not been previously reported in individuals wi th hearing loss or in large population studies. Computational prediction tools a nd conservation analyses do not provide strong support for or against an impact to the protein. In summary, the clinical significance of the Arg432Lys variant i s uncertain.